The following is an entry in ClinVar:

ClinVar aggregate classification (germline): Uncertain significance. Review status: criteria provided, multiple submitters, no conflicts (2 of 4 stars). 2 submissions from 2 submitters: Uncertain significance (2). Last evaluated 2023-05-25.

Conditions:
Hereditary cancer-predisposing syndrome. Also called: Neoplastic Syndromes, Hereditary; Tumor predisposition; Hereditary Cancer Syndrome; Hereditary neoplastic syndrome. Identifiers: Orphanet 140162, MedGen C0027672, MeSH D009386, MONDO:0015356.

Submissions (2):

Labcorp Genetics (formerly Invitae), Labcorp
Classification: Uncertain significance for Hereditary cancer-predisposing syndrome. Last evaluated: 2023-05-25. Review status: criteria provided, single submitter. Criteria: Invitae Variant Classification Sherloc (09022015). Collection method: clinical testing. Allele origin: germline.
Comment: This sequence change replaces valine, which is neutral and non-polar, with glycine, which is neutral and non-polar, at codon 687 of the RAD50 protein (p.Val687Gly). In summary, the available evidence is currently insufficient to determine the role of this variant in disease. Therefore, it has been classified as a Variant of Uncertain Significance. Advanced modeling of protein sequence and biophysical properties (such as structural, functional, and spatial information, amino acid conservation, physicochemical variation, residue mobility, and thermodynamic stability) performed at Invitae indicates that this missense variant is not expected to disrupt RAD50 protein function. ClinVar contains an entry for this variant (Variation ID: 1785225). This variant has not been reported in the literature in individuals affected with RAD50-related conditions. This variant is not present in population databases (gnomAD no frequency).

Ambry Genetics
Classification: Uncertain significance for Hereditary cancer-predisposing syndrome. Last evaluated: 2022-07-02. Review status: criteria provided, single submitter. Criteria: Ambry Variant Classification Scheme 2023. Collection method: clinical testing. Allele origin: germline.
Comment: The p.V687G variant (also known as c.2060T>G), located in coding exon 13 of the RAD50 gene, results from a T to G substitution at nucleotide position 2060. The valine at codon 687 is replaced by glycine, an amino acid with dissimilar properties. This amino acid position is conserved. In addition, this alteration is predicted to be tolerated by in silico analysis. Since supporting evidence is limited at this time, the clinical significance of this alteration remains unclear.

NM_005732.4(RAD50):c.2060T>G (p.Val687Gly)

Gene: RAD50 (RAD50 double strand break repair protein; plus strand). Cytogenetic location: 5q31.1.
Variant type: single nucleotide variant.
Coding change: c.2060T>G on transcript NM_005732.4 (MANE Select); coding-DNA position 2060, T replaced by G.
Protein change: p.Val687Gly; replaces valine 687 with glycine.
Molecular consequence: missense variant.
Genome position (GRCh38, 1-based): chr5:132,595,663, T>G. VCF-style: chr5-132595663-T-G. GRCh37 (hg19) VCF-style: chr5-131931355-T-G.
Other names: short protein forms V687G.
Identifiers: ClinVar variation 1785225 (VCV001785225.5), dbSNP rs1362163957, ClinGen allele CA360949713.